The following is an entry in ClinVar:

ClinVar aggregate classification (germline): Uncertain significance (1 of 4 stars; one submission).

gnomAD v4.1: 12 of 1,509,672 alleles (0.00079%); highest among the groups gnomAD compares: South Asian, 0.0014%; no homozygotes.

Submission:

Ambry Genetics
Classification: Uncertain significance. Last evaluated: 2025-01-06. Review status: criteria provided, single submitter. Criteria: Ambry Variant Classification Scheme 2023. Collection method: clinical testing. Allele origin: germline.
Comment: The p.R1473W variant (also known as c.4417C>T), located in coding exon 14 of the CDK12 gene, results from a C to T substitution at nucleotide position 4417. The arginine at codon 1473 is replaced by tryptophan, an amino acid with dissimilar properties. This amino acid position is conserved. In addition, this alteration is predicted to be deleterious by in silico analysis. Based on the available evidence, the clinical significance of this variant remains unclear.

NM_016507.4(CDK12):c.4417C>T (p.Arg1473Trp)

Gene: CDK12 (cyclin dependent kinase 12; plus strand). Cytogenetic location: 17q12.
Variant type: single nucleotide variant.
Coding change: c.4417C>T on transcript NM_016507.4 (MANE Select); coding-DNA position 4417, C replaced by T.
Protein change: p.Arg1473Trp; replaces arginine 1473 with tryptophan.
Molecular consequence: missense variant.
Genome position (GRCh38, 1-based): chr17:39,531,260, C>T. VCF-style: chr17-39531260-C-T. GRCh37 (hg19) VCF-style: chr17-37687513-C-T.
Other names: c.4390C>T, p.Arg1464Trp (NM_015083.4); short protein forms R1473W, R1464W.
Identifiers: ClinVar variation 3830457 (VCV003830457.1).